The following is an entry in ClinVar:

ClinVar aggregate classification (germline): Uncertain significance. Review status: criteria provided, multiple submitters, no conflicts (2 of 4 stars). 2 submissions from 2 submitters: Uncertain significance (2). Last evaluated 2025-12-21.

Conditions:
Pulmonary hypertension, primary, 1 (PPH1). Also called: Pulmonary hypertension, familial primary, 1, with or without HHT. Identifiers: Orphanet 422, MedGen C4552070, MONDO:0024533, OMIM 178600.
Pulmonary venoocclusive disease 1 (PVOD1). Also called: Pulmonary venoocclusive disease 1, autosomal dominant. Identifiers: Orphanet 31837, MedGen C3887658, MONDO:0020713, OMIM 265450.
Inborn genetic diseases. Identifiers: MedGen C0950123, MeSH D030342.

Allele frequency attached by ClinVar (database versions not stated): gnomAD 0.00003; 1000 Genomes Project 0.00020; 1000 Genomes Project 30x 0.00031.
gnomAD v4.1: 11 of 1,614,132 alleles (0.00068%); highest among the groups gnomAD compares: African/African-American, 0.015%; no homozygotes.

Submissions (2):

Ambry Genetics
Classification: Uncertain significance for Inborn genetic diseases. Last evaluated: 2025-12-21. Review status: criteria provided, single submitter. Criteria: Ambry Variant Classification Scheme 2023. Collection method: clinical testing. Allele origin: germline.
Comment: The p.M626I variant (also known as c.1878G>C), located in coding exon 12 of the BMPR2 gene, results from a G to C substitution at nucleotide position 1878. The methionine at codon 626 is replaced by isoleucine, an amino acid with highly similar properties. This amino acid position is conserved. In addition, the in silico prediction for this alteration is inconclusive. Since supporting evidence is limited at this time, the clinical significance of this alteration remains unclear.

Fulgent Genetics
Classification: Uncertain significance for Pulmonary hypertension, primary, 1; Pulmonary venoocclusive disease 1. Last evaluated: 2024-03-01. Review status: criteria provided, single submitter. Criteria: ACMG Guidelines, 2015. Collection method: clinical testing. Allele origin: germline.

NM_001204.7(BMPR2):c.1878G>C (p.Met626Ile)

Gene: BMPR2 (bone morphogenetic protein receptor type 2; plus strand). Cytogenetic location: 2q33.2.
Variant type: single nucleotide variant.
Coding change: c.1878G>C on transcript NM_001204.7 (MANE Select); coding-DNA position 1878, G replaced by C.
Protein change: p.Met626Ile; replaces methionine 626 with isoleucine.
Molecular consequence: missense variant.
Genome position (GRCh38, 1-based): chr2:202,555,543, G>C. VCF-style: chr2-202555543-G-C. GRCh37 (hg19) VCF-style: chr2-203420266-G-C.
Other names: short protein forms M626I.
Identifiers: ClinVar variation 1781826 (VCV001781826.4), dbSNP rs200428510, ClinGen allele CA2061467.